The following is an entry in ClinVar:

ClinVar aggregate classification (germline): Pathogenic (1 of 4 stars; one submission).

Conditions:
3-Methylglutaconic aciduria type 2 (BTHS). Also called: Barth syndrome; CARDIOSKELETAL MYOPATHY WITH NEUTROPENIA AND ABNORMAL MITOCHONDRIA. Identifiers: Orphanet 111, MedGen C0574083, MONDO:0010543, OMIM 302060.

Submission:

Labcorp Genetics (formerly Invitae), Labcorp
Classification: Pathogenic for 3-Methylglutaconic aciduria type 2. Last evaluated: 2021-01-08. Review status: criteria provided, single submitter. Criteria: Invitae Variant Classification Sherloc (09022015). Collection method: clinical testing. Allele origin: germline.
Comment: For these reasons, this variant has been classified as Pathogenic. This variant has not been reported in the literature in individuals with TAZ-related conditions. This variant is not present in population databases (ExAC no frequency). This sequence change creates a premature translational stop signal (p.Ile196Serfs*4) in the TAZ gene. It is expected to result in an absent or disrupted protein product. Loss-of-function variants in TAZ are known to be pathogenic (PMID: 16427346, 22382802, 23409742).

Literature cited by the submitters: PubMed 16427346; PubMed 22382802; PubMed 23409742.

NM_000116.5(TAFAZZIN):c.586del (p.Ile196fs)

Gene: TAFAZZIN (tafazzin, phospholipid-lysophospholipid transacylase; plus strand). Cytogenetic location: Xq28.
Variant type: Deletion.
Coding change: c.586del on transcript NM_000116.5 (MANE Select); coding-DNA position 586, one base deleted (A; older notation c.586delA).
Protein change: p.Ile196fs; shifts the reading frame from isoleucine 196.
Molecular consequence: frameshift variant. On other transcripts: non-coding transcript variant (1).
Genome position (GRCh38, 1-based): chrX:154,420,034, A deleted; the last of 2 consecutive A bases (chrX:154,420,033-154,420,034); deleting either gives the same sequence. VCF-style (leftmost placement, unchanged base first): chrX-154420032-GA-G. GRCh37 (hg19) VCF-style: chrX-153648371-GA-G.
Other names: c.598del, p.Ile200fs (NM_001303465.2); c.550delA, p.Ile184Serfs (NM_001410698.1); c.496del, p.Ile166fs (NM_181311.4); c.544del, p.Ile182fs (NM_181312.4); c.454del, p.Ile152fs (NM_181313.4); short protein forms I166fs, I200fs, I152fs, I196fs, I182fs.
Identifiers: ClinVar variation 1922509 (VCV001922509.5), dbSNP rs2522990298, ClinGen allele CA2580101829.